The following is an entry in ClinVar:

NM_024817.3(THSD4):c.1893G>A (p.Thr631=)

Gene: THSD4 (thrombospondin type 1 domain containing 4; plus strand). Cytogenetic location: 15q23.
Variant type: single nucleotide variant.
Coding change: c.1893G>A on transcript NM_024817.3 (MANE Select); coding-DNA position 1893, G replaced by A.
Protein change: p.Thr631=; no amino-acid change (threonine 631 retained).
Molecular consequence: synonymous variant.
Genome position (GRCh38, 1-based): chr15:71,737,994, G>A. VCF-style: chr15-71737994-G-A. GRCh37 (hg19) VCF-style: chr15-72030333-G-A.
Other names: c.813G>A, p.Thr271= (NM_001286429.2); c.1893G>A, p.Thr631= (NM_001394532.1).
Identifiers: ClinVar variation 2645502 (VCV002645502.24), dbSNP rs375173523, ClinGen allele CA7639676.

ClinVar aggregate classification (germline): Likely benign (1 of 4 stars; one submission).

Allele frequency attached by ClinVar (database versions not stated): ExAC 0.00048; gnomAD 0.00078; TOPMed 0.00082; ESP Exome Variant Server 0.00112; gnomAD exomes 0.00145.
gnomAD v4.1: 2,257 of 1,613,528 alleles (0.14%); highest among the groups gnomAD compares: Non-Finnish European, 0.18%; 5 homozygotes.

Submission:

CeGaT Center for Human Genetics Tuebingen
Classification: Likely benign. Last evaluated: 2026-01-01. Review status: criteria provided, single submitter. Criteria: CeGaT Center For Human Genetics Tuebingen Variant Classification Criteria Version 2. Collection method: clinical testing. Allele origin: germline. Affected: yes. Observed: 5 variant alleles.
Comment: THSD4: BP4, BP7, BS1